The following is an entry in ClinVar:

NM_001792.5(CDH2):c.2230G>A (p.Val744Ile)

Gene: CDH2 (cadherin 2; minus strand). Cytogenetic location: 18q12.1.
Variant type: single nucleotide variant.
Coding change: c.2230G>A on transcript NM_001792.5 (MANE Select); coding-DNA position 2230, G replaced by A.
Protein change: p.Val744Ile; replaces valine 744 with isoleucine.
Molecular consequence: missense variant.
Genome position (GRCh38, 1-based): chr18:27,983,063, C>T on the plus strand (G>A on the coding strand, the complement: CDH2 is on the minus strand). VCF-style: chr18-27983063-C-T. GRCh37 (hg19) VCF-style: chr18-25563027-C-T.
Other names: c.2137G>A, p.Val713Ile (NM_001308176.2); short protein forms V713I, V744I.
Identifiers: ClinVar variation 1788105 (VCV001788105.5), dbSNP rs1188062661, ClinGen allele CA402106382.

ClinVar aggregate classification (germline): Uncertain significance. Review status: criteria provided, multiple submitters, no conflicts (2 of 4 stars). 2 submissions from 2 submitters: Uncertain significance (2). Last evaluated 2025-08-09.

Conditions:
Inborn genetic diseases. Identifiers: MedGen C0950123, MeSH D030342.

Allele frequency attached by ClinVar (database versions not stated): TOPMed 0.00001; gnomAD exomes below 0.00001; gnomAD 0.00001.
gnomAD v4.1: 3 of 1,612,316 alleles (0.00019%); highest among the groups gnomAD compares: South Asian, 0.0011%; no homozygotes.

Submissions (2):

Labcorp Genetics (formerly Invitae), Labcorp
Classification: Uncertain significance. Last evaluated: 2025-08-09. Review status: criteria provided, single submitter. Criteria: Invitae Variant Classification Sherloc (09022015). Collection method: clinical testing. Allele origin: germline.
Comment: This sequence change replaces valine, which is neutral and non-polar, with isoleucine, which is neutral and non-polar, at codon 744 of the CDH2 protein (p.Val744Ile). This variant is not present in population databases (gnomAD no frequency). This variant has not been reported in the literature in individuals affected with CDH2-related conditions. ClinVar contains an entry for this variant (Variation ID: 1788105). An algorithm developed to predict the effect of missense changes on protein structure and function (PolyPhen-2) suggests that this variant is likely to be tolerated. In summary, the available evidence is currently insufficient to determine the role of this variant in disease. Therefore, it has been classified as a Variant of Uncertain Significance.

Ambry Genetics
Classification: Uncertain significance for Inborn genetic diseases. Last evaluated: 2024-12-29. Review status: criteria provided, single submitter. Criteria: Ambry Variant Classification Scheme 2023. Collection method: clinical testing. Allele origin: germline.
Comment: The p.V744I variant (also known as c.2230G>A), located in coding exon 14 of the CDH2 gene, results from a G to A substitution at nucleotide position 2230. The valine at codon 744 is replaced by isoleucine, an amino acid with highly similar properties. This amino acid position is conserved. In addition, this alteration is predicted to be tolerated by in silico analysis. Since supporting evidence is limited at this time, the clinical significance of this alteration remains unclear.